The following is an entry in ClinVar:

ClinVar aggregate classification (germline): Uncertain significance. Review status: criteria provided, multiple submitters, no conflicts (2 of 4 stars). 3 submissions from 3 submitters: Uncertain significance (3). Last evaluated 2025-03-22.

Conditions:
Inborn genetic diseases. Identifiers: MedGen C0950123, MeSH D030342.
Hereditary spastic paraplegia 48. Also called: SPASTIC PARAPLEGIA 48, AUTOSOMAL RECESSIVE; Spastic paraplegia 48. Identifiers: Orphanet 306511, MedGen C3150901, MONDO:0013342, OMIM 613647.

Allele frequency attached by ClinVar (database versions not stated): gnomAD exomes 0.00008; TOPMed 0.00008; ExAC 0.00011; 1000 Genomes Project 30x 0.00078; 1000 Genomes Project 0.00080.
gnomAD v4.1: 100 of 1,606,832 alleles (0.0062%); highest among the groups gnomAD compares: African/African-American, 0.037%; 2 homozygotes.

Submissions (3):

Ambry Genetics
Classification: Uncertain significance for Inborn genetic diseases. Last evaluated: 2025-03-22. Review status: criteria provided, single submitter. Criteria: Ambry Variant Classification Scheme 2023. Collection method: clinical testing. Allele origin: germline.

Labcorp Genetics (formerly Invitae), Labcorp
Classification: Uncertain significance for Hereditary spastic paraplegia 48. Last evaluated: 2024-12-02. Review status: criteria provided, single submitter. Criteria: Invitae Variant Classification Sherloc (09022015). Collection method: clinical testing. Allele origin: germline.
Comment: This sequence change replaces glycine, which is neutral and non-polar, with serine, which is neutral and polar, at codon 803 of the AP5Z1 protein (p.Gly803Ser). This variant is present in population databases (rs201682318, gnomAD 0.03%). This variant has not been reported in the literature in individuals affected with AP5Z1-related conditions. ClinVar contains an entry for this variant (Variation ID: 834321). An algorithm developed to predict the effect of missense changes on protein structure and function outputs the following: PolyPhen-2: "Benign". The serine amino acid residue is found in multiple mammalian species, which suggests that this missense change does not adversely affect protein function. In summary, the available evidence is currently insufficient to determine the role of this variant in disease. Therefore, it has been classified as a Variant of Uncertain Significance.

Baylor Genetics
Classification: Uncertain significance for Hereditary spastic paraplegia 48. Last evaluated: 2020-07-09. Review status: criteria provided, single submitter. Criteria: ACMG Guidelines, 2015. Collection method: clinical testing. Allele origin: unknown. Affected: yes.
Comment: This variant was determined to be of uncertain significance according to ACMG Guidelines, 2015 [PMID:25741868].

NM_014855.3(AP5Z1):c.2407G>A (p.Gly803Ser)

Gene: AP5Z1 (adaptor related protein complex 5 subunit zeta 1; plus strand). Cytogenetic location: 7p22.1.
Variant type: single nucleotide variant.
Coding change: c.2407G>A on transcript NM_014855.3 (MANE Select); coding-DNA position 2407, G replaced by A.
Protein change: p.Gly803Ser; replaces glycine 803 with serine.
Molecular consequence: missense variant. On other transcripts: non-coding transcript variant (1).
Genome position (GRCh38, 1-based): chr7:4,791,368, G>A. VCF-style: chr7-4791368-G-A. GRCh37 (hg19) VCF-style: chr7-4830999-G-A.
Other names: c.1939G>A, p.Gly647Ser (NM_001364858.1); short protein forms G803S, G647S.
Identifiers: ClinVar variation 834321 (VCV000834321.12), dbSNP rs201682318, ClinGen allele CA4138471.